The following is an entry in ClinVar:

ClinVar aggregate classification (germline): Likely benign (1 of 4 stars; one submission).

Allele frequency attached by ClinVar (database versions not stated): gnomAD exomes 0.00003; ExAC 0.00006; gnomAD 0.00001; TOPMed 0.00001.
gnomAD v4.1: 35 of 1,209,526 alleles (0.0029%); highest among the groups gnomAD compares: Middle Eastern, 0.023%; no homozygotes.

Submission:

CeGaT Center for Human Genetics Tuebingen
Classification: Likely benign. Last evaluated: 2022-09-01. Review status: criteria provided, single submitter. Criteria: CeGaT Center For Human Genetics Tuebingen Variant Classification Criteria Version 2. Collection method: clinical testing. Allele origin: germline. Affected: yes. Observed: 1 variant allele.
Comment: DDX53: BP4, BP7

NM_182699.4(DDX53):c.813G>A (p.Gly271=)

Genes: DDX53 (DEAD-box helicase 53; plus strand), PTCHD1-AS (PTCHD1 and PHEX antisense RNA; minus strand). Cytogenetic location: Xp22.11.
Variant type: single nucleotide variant.
Coding change: c.813G>A on transcript NM_182699.4 (MANE Select); coding-DNA position 813, G replaced by A.
Protein change: p.Gly271=; no amino-acid change (glycine 271 retained).
Molecular consequence: synonymous variant.
Genome position (GRCh38, 1-based): chrX:23,000,870, G>A. VCF-style: chrX-23000870-G-A. GRCh37 (hg19) VCF-style: chrX-23018987-G-A.
Identifiers: ClinVar variation 2660163 (VCV002660163.24), dbSNP rs773416651, ClinGen allele CA10368793.